The following is an entry in ClinVar:

NM_003403.5(YY1):c.1025G>A (p.Arg342Gln)

Gene: YY1 (YY1 transcription factor; plus strand). Cytogenetic location: 14q32.2.
Variant type: single nucleotide variant.
Coding change: c.1025G>A on transcript NM_003403.5 (MANE Select); coding-DNA position 1025, G replaced by A.
Protein change: p.Arg342Gln; replaces arginine 342 with glutamine.
Molecular consequence: missense variant.
Genome position (GRCh38, 1-based): chr14:100,276,611, G>A. VCF-style: chr14-100276611-G-A. GRCh37 (hg19) VCF-style: chr14-100742948-G-A.
Other names: short protein forms R342Q.
Identifiers: ClinVar variation 2664162 (VCV002664162.7), dbSNP rs2549138607, ClinGen allele CA390968923.

ClinVar aggregate classification (germline): Conflicting classifications of pathogenicity. Review status: criteria provided, conflicting classifications (1 of 4 stars). 3 submissions from 3 submitters: Pathogenic (1); Likely pathogenic (1); Uncertain significance (1). Last evaluated 2024-11-26.

Conditions:
Gabriele de Vries syndrome. Identifiers: Orphanet 506358, MedGen C4479652, MONDO:0044738, OMIM 617557.

Submissions (3):

Victorian Clinical Genetics Services, Murdoch Childrens Research Institute
Classification: Likely pathogenic for Gabriele de Vries syndrome. Last evaluated: 2024-11-26. Review status: criteria provided, single submitter. Criteria: ACMG Guidelines, 2015. Collection method: clinical testing. Allele origin: germline. Affected: yes.
Comment: This variant is classified as Likely pathogenic. Evidence in support of pathogenic classification: Variant is absent from gnomAD (v2, v3 and v4); This variant has moderate previous evidence of pathogenicity in unrelated individuals. This variant has been classified as likely pathogenic by a clinical laboratory in ClinVar; Missense variant in a region that is highly intolerant to missense variation (high constraint region in DECIPHER); Additional information: Variant is predicted to result in a missense amino acid change from arginine to glutamine; This variant is heterozygous; This gene is associated with autosomal dominant disease; No published functional evidence has been identified for this variant; No comparable missense variants have previous evidence for pathogenicity; Missense variant with conflicting in silico prediction and uninformative conservation; Loss of function is a known mechanism of disease in this gene and is associated with Gabriele-de Vries syndrome (MIM#617557) (PMID: 28575647).

Diagnostics Services (NGS), CSIR - Centre For Cellular And Molecular Biology
Classification: Pathogenic for Gabriele de Vries syndrome. Last evaluated: 2023-12-19. Review status: criteria provided, single submitter. Criteria: ACMG Guidelines, 2015. Collection method: clinical testing. Allele origin: de novo. Inheritance: Autosomal dominant inheritance. Affected: yes. Observed: 1 variant allele, 1 heterozygote.
Comment: The c.1025G>A variant is not present in publicly available population databases like 1000 Genomes, EVS, gnomAD, ExAC, Indian Exome Database or our in-house exome database. This variant has neither been published in literature nor reported to clinical databases like Human Genome Mutation Database (HGMD), OMIM or ClinVar in any affected individuals. In-silico pathogenicity prediction programs like PolyPhen-2, MutationTaster2, CADD etc predicted this variant to be likely deleterious, however these predictions were not confirmed by published functional studies. This variant is not present in the parents of our patients.

Juno Genomics, Hangzhou Juno Genomics, Inc
Classification: Uncertain significance for Gabriele de Vries syndrome. Review status: criteria provided, single submitter. Criteria: ACMG Guidelines, 2015. Collection method: clinical testing. Allele origin: germline. Affected: yes.
Comment: Absent from controls (or at extremely low frequency if recessive) in Genome Aggregation Database, Exome Sequencing Project, 1000 Genomes Project, or Exome Aggregation Consortium.;Assumed de novo, but without confirmation of paternity and maternity.;Patient's phenotype or family history is highly specific for a disease with a single genetic etiology.;Missense variant in a gene that has a low rate of benign missense variation and where missense variants are a common mechanism of disease.

Literature cited by the submitters: PubMed 28575647 (cited by Victorian Clinical Genetics Services, Murdoch Childrens Research Institute); PubMed 39945639 (cited by Diagnostics Services (NGS), CSIR - Centre For Cellular And Molecular Biology).